The following is an entry in ClinVar:

ClinVar aggregate classification (germline): Conflicting classifications of pathogenicity. Review status: criteria provided, conflicting classifications (1 of 4 stars). 2 submissions from 2 submitters: Uncertain significance (1); Likely benign (1). Last evaluated 2025-06-14.

Conditions:
Cardiovascular phenotype. Identifiers: MedGen CN230736.
Brugada syndrome. Also called: Sudden Unexplained Death Syndrome; Sudden Unexplained Nocturnal Death Syndrome (SUNDS); Sudden unexpected nocturnal death syndrome; Sudden unexplained nocturnal death syndrome. Identifiers: Orphanet 130, MedGen C1142166, MONDO:0015263.

Allele frequency attached by ClinVar (database versions not stated): TOPMed 0.00003; gnomAD exomes below 0.00001; gnomAD 0.00001; ExAC 0.00002.

Submissions (2):

Labcorp Genetics (formerly Invitae), Labcorp
Classification: Uncertain significance for Brugada syndrome. Last evaluated: 2025-06-14. Review status: criteria provided, single submitter. Criteria: Invitae Variant Classification Sherloc (09022015). Collection method: clinical testing. Allele origin: germline.
Comment: This sequence change replaces methionine, which is neutral and non-polar, with threonine, which is neutral and polar, at codon 1788 of the SCN10A protein (p.Met1788Thr). This variant is present in population databases (rs758230618, gnomAD 0.02%). This variant has not been reported in the literature in individuals affected with SCN10A-related conditions. ClinVar contains an entry for this variant (Variation ID: 1747078). Invitae Evidence Modeling of protein sequence and biophysical properties (such as structural, functional, and spatial information, amino acid conservation, physicochemical variation, residue mobility, and thermodynamic stability) indicates that this missense variant is expected to disrupt SCN10A protein function with a positive predictive value of 80%. In summary, the available evidence is currently insufficient to determine the role of this variant in disease. Therefore, it has been classified as a Variant of Uncertain Significance.

Ambry Genetics
Classification: Likely benign for Cardiovascular phenotype. Last evaluated: 2022-10-21. Review status: criteria provided, single submitter. Criteria: Ambry Variant Classification Scheme 2023. Collection method: clinical testing. Allele origin: germline.

NM_006514.4(SCN10A):c.5363T>C (p.Met1788Thr)

Gene: SCN10A (sodium voltage-gated channel alpha subunit 10; minus strand). Cytogenetic location: 3p22.2.
Variant type: single nucleotide variant.
Coding change: c.5363T>C on transcript NM_006514.4 (MANE Select); coding-DNA position 5363, T replaced by C.
Protein change: p.Met1788Thr; replaces methionine 1788 with threonine.
Molecular consequence: missense variant.
Genome position (GRCh38, 1-based): chr3:38,697,857, A>G on the plus strand (T>C on the coding strand, the complement: SCN10A is on the minus strand). VCF-style: chr3-38697857-A-G. GRCh37 (hg19) VCF-style: chr3-38739348-A-G.
Other names: c.5360T>C, p.Met1787Thr (NM_001293306.2); c.5069T>C, p.Met1690Thr (NM_001293307.2); short protein forms M1788T, M1787T, M1690T.
Identifiers: ClinVar variation 1747078 (VCV001747078.3), dbSNP rs758230618, ClinGen allele CA2319686.